The following is an entry in ClinVar:

ClinVar aggregate classification (germline): Conflicting classifications of pathogenicity. Review status: criteria provided, conflicting classifications (1 of 4 stars). 2 submissions from 2 submitters: Uncertain significance (1); Likely benign (1). Last evaluated 2024-07-30.

Conditions:
Inborn genetic diseases. Identifiers: MedGen C0950123, MeSH D030342.
Intellectual developmental disorder, autosomal dominant 1. Also called: MBD5 Haploinsufficiency; Intellectual disability, autosomal dominant 1. Identifiers: Orphanet 228402, MedGen C1969562, MONDO:0007974, OMIM 156200.

Allele frequency attached by ClinVar (database versions not stated): TOPMed below 0.00001; ExAC 0.00001; gnomAD exomes 0.00002; gnomAD 0.00001.
gnomAD v4.1: 35 of 1,613,548 alleles (0.0022%); highest among the groups gnomAD compares: Non-Finnish European, 0.003%; no homozygotes.

Submissions (2):

Ambry Genetics
Classification: Likely benign for Inborn genetic diseases. Last evaluated: 2024-07-30. Review status: criteria provided, single submitter. Criteria: Ambry Variant Classification Scheme 2023. Collection method: clinical testing. Allele origin: germline.

Labcorp Genetics (formerly Invitae), Labcorp
Classification: Uncertain significance for Intellectual developmental disorder, autosomal dominant 1. Last evaluated: 2024-02-16. Review status: criteria provided, single submitter. Criteria: Invitae Variant Classification Sherloc (09022015). Collection method: clinical testing. Allele origin: germline.
Comment: This sequence change replaces aspartic acid, which is acidic and polar, with glycine, which is neutral and non-polar, at codon 11 of the MBD5 protein (p.Asp11Gly). This variant is present in population databases (rs756615692, gnomAD 0.002%). This variant has not been reported in the literature in individuals affected with MBD5-related conditions. ClinVar contains an entry for this variant (Variation ID: 2038483). Advanced modeling of protein sequence and biophysical properties (such as structural, functional, and spatial information, amino acid conservation, physicochemical variation, residue mobility, and thermodynamic stability) performed at Invitae indicates that this missense variant is not expected to disrupt MBD5 protein function with a negative predictive value of 80%. In summary, the available evidence is currently insufficient to determine the role of this variant in disease. Therefore, it has been classified as a Variant of Uncertain Significance.

NM_001378120.1(MBD5):c.32A>G (p.Asp11Gly)

Gene: MBD5 (methyl-CpG binding domain protein 5; plus strand). Cytogenetic location: 2q23.1.
Variant type: single nucleotide variant.
Coding change: c.32A>G on transcript NM_001378120.1 (MANE Select); coding-DNA position 32, A replaced by G.
Protein change: p.Asp11Gly; replaces aspartic acid 11 with glycine.
Molecular consequence: missense variant.
Genome position (GRCh38, 1-based): chr2:148,458,790, A>G. VCF-style: chr2-148458790-A-G. GRCh37 (hg19) VCF-style: chr2-149216359-A-G.
Other names: c.32A>G (NM_018328.4); c.32A>G, p.Asp11Gly (NM_018328.5); short protein forms D11G.
Identifiers: ClinVar variation 2038483 (VCV002038483.5), dbSNP rs756615692, ClinGen allele CA1899804.
Genomic context (GRCh38, chr2:148,458,790, plus strand): 5'-CTTTGGAGAGTCCCTAGCAGACACAGAAAATGAATGGAGGCAAAGAGTGTGACGGAGGGG[A>G]CAAGGAAGGAGGTCTTCCAGCTATACAAGTTCCTGTGGGTTGGCAGCGTCGTGTGGATCA-3'
Protein context (NP_001365049.1, residues 1-21): MNGGKECDGG[Asp11Gly]KEGGLPAIQV